The following is an entry in ClinVar:

ClinVar aggregate classification (germline): Uncertain significance. Review status: criteria provided, multiple submitters, no conflicts (2 of 4 stars). 2 submissions from 2 submitters: Uncertain significance (2). Last evaluated 2025-04-10.

Allele frequency attached by ClinVar (database versions not stated): gnomAD 0.00001; gnomAD exomes 0.00001; 1000 Genomes Project 0.00020; TOPMed below 0.00001; ExAC 0.00002; 1000 Genomes Project 30x 0.00016.
gnomAD v4.1: 15 of 1,613,982 alleles (0.00093%); highest among the groups gnomAD compares: East Asian, 0.02%; no homozygotes.

Submissions (2):

Ambry Genetics
Classification: Uncertain significance. Last evaluated: 2025-04-10. Review status: criteria provided, single submitter. Criteria: Ambry Variant Classification Scheme 2023. Collection method: clinical testing. Allele origin: germline.
Comment: The p.A704T variant (also known as c.2110G>A), located in coding exon 12 of the ATRIP gene, results from a G to A substitution at nucleotide position 2110. The alanine at codon 704 is replaced by threonine, an amino acid with similar properties. This amino acid position is not well conserved in available vertebrate species. In addition, this alteration is predicted to be tolerated by in silico analysis. The evidence for this gene-disease relationship is limited; therefore, the clinical significance of this alteration is unclear.

Labcorp Genetics (formerly Invitae), Labcorp
Classification: Uncertain significance. Last evaluated: 2024-08-24. Review status: criteria provided, single submitter. Criteria: Invitae Variant Classification Sherloc (09022015). Collection method: clinical testing. Allele origin: germline.
Comment: This sequence change replaces alanine, which is neutral and non-polar, with threonine, which is neutral and polar, at codon 704 of the ATRIP protein (p.Ala704Thr). This variant is present in population databases (rs533029183, gnomAD 0.03%). This variant has not been reported in the literature in individuals affected with ATRIP-related conditions. ClinVar contains an entry for this variant (Variation ID: 2057087). An algorithm developed to predict the effect of missense changes on protein structure and function (PolyPhen-2) suggests that this variant is likely to be disruptive. In summary, the available evidence is currently insufficient to determine the role of this variant in disease. Therefore, it has been classified as a Variant of Uncertain Significance.

NM_130384.3(ATRIP):c.2110G>A (p.Ala704Thr)

Genes: ATRIP (ATR interacting protein; plus strand), ATRIP-TREX1 (ATRIP-TREX1 readthrough; plus strand). Cytogenetic location: 3p21.31.
Variant type: single nucleotide variant.
Coding change: c.2110G>A on transcript NM_130384.3 (MANE Select); coding-DNA position 2110, G replaced by A.
Protein change: p.Ala704Thr; replaces alanine 704 with threonine.
Molecular consequence: missense variant. On other transcripts: non-coding transcript variant (1).
Genome position (GRCh38, 1-based): chr3:48,464,885, G>A. VCF-style: chr3-48464885-G-A. GRCh37 (hg19) VCF-style: chr3-48506284-G-A.
Other names: c.1729G>A, p.Ala577Thr (NM_001271022.2); c.1831G>A, p.Ala611Thr (NM_001271023.2); c.2029G>A, p.Ala677Thr (NM_032166.4); c.2110G>A (NM_130384.1); short protein forms A577T, A677T, A704T, A611T.
Identifiers: ClinVar variation 2057087 (VCV002057087.4), dbSNP rs533029183, ClinGen allele CA2376402.